The following is an entry in ClinVar:

NM_177924.5(ASAH1):c.1088T>G (p.Val363Gly)

Gene: ASAH1 (N-acylsphingosine amidohydrolase 1; minus strand). Cytogenetic location: 8p22.
Variant type: single nucleotide variant.
Coding change: c.1088T>G on transcript NM_177924.5 (MANE Select); coding-DNA position 1088, T replaced by G.
Protein change: p.Val363Gly; replaces valine 363 with glycine.
Molecular consequence: missense variant.
Genome position (GRCh38, 1-based): chr8:18,058,845, A>C on the plus strand (T>G on the coding strand, the complement: ASAH1 is on the minus strand). VCF-style: chr8-18058845-A-C. GRCh37 (hg19) VCF-style: chr8-17916354-A-C.
Other names: c.1070T>G, p.Val357Gly (NM_001127505.3); c.893T>G, p.Val298Gly (NM_001363743.2); c.1136T>G, p.Val379Gly (NM_004315.6); short protein forms V357G, V379G, V363G, V298G.
Identifiers: ClinVar variation 1376236 (VCV001376236.6), dbSNP rs2117015453, ClinGen allele CA370426974.

ClinVar aggregate classification (germline): Uncertain significance (1 of 4 stars; one submission).

Submission:

Labcorp Genetics (formerly Invitae), Labcorp
Classification: Uncertain significance. Last evaluated: 2024-02-24. Review status: criteria provided, single submitter. Criteria: Invitae Variant Classification Sherloc (09022015). Collection method: clinical testing. Allele origin: germline.
Comment: This sequence change replaces valine, which is neutral and non-polar, with glycine, which is neutral and non-polar, at codon 363 of the ASAH1 protein (p.Val363Gly). This variant is not present in population databases (gnomAD no frequency). This variant has not been reported in the literature in individuals affected with ASAH1-related conditions. ClinVar contains an entry for this variant (Variation ID: 1376236). Advanced modeling of protein sequence and biophysical properties (such as structural, functional, and spatial information, amino acid conservation, physicochemical variation, residue mobility, and thermodynamic stability) performed at Invitae indicates that this missense variant is expected to disrupt ASAH1 protein function with a positive predictive value of 80%. In summary, the available evidence is currently insufficient to determine the role of this variant in disease. Therefore, it has been classified as a Variant of Uncertain Significance.